The following is an entry in ClinVar:

NM_001711.6(BGN):c.776G>T (p.Gly259Val)

Gene: BGN (biglycan; plus strand). Cytogenetic location: Xq28.
Variant type: single nucleotide variant.
Coding change: c.776G>T on transcript NM_001711.6 (MANE Select); coding-DNA position 776, G replaced by T.
Protein change: p.Gly259Val; replaces glycine 259 with valine.
Molecular consequence: missense variant.
Genome position (GRCh38, 1-based): chrX:153,507,052, G>T. VCF-style: chrX-153507052-G-T. GRCh37 (hg19) VCF-style: chrX-152772510-G-T.
Other names: short protein forms G259V.
Identifiers: ClinVar variation 243091 (VCV000243091.22), dbSNP rs879255605, ClinGen allele CA10584092.

ClinVar aggregate classification (germline): Likely pathogenic. Review status: criteria provided, single submitter (1 of 4 stars). 2 submissions from 2 submitters: Likely pathogenic (1). 1 of the submissions does not count toward it. Last evaluated 2024-04-01.

Conditions:
X-linked spondyloepimetaphyseal dysplasia. Identifiers: Orphanet 93349, MedGen C1848097, MONDO:0010248, OMIM 300106.

Submissions (2):

CeGaT Center for Human Genetics Tuebingen
Classification: Likely pathogenic. Last evaluated: 2024-04-01. Review status: criteria provided, single submitter. Criteria: CeGaT Center For Human Genetics Tuebingen Variant Classification Criteria Version 2. Collection method: clinical testing. Allele origin: germline. Affected: yes. Observed: 2 variant alleles.
Comment: BGN: PM2, PP1:Moderate, PP4, PS4:Supporting

OMIM
Classification: Pathogenic for SPONDYLOEPIMETAPHYSEAL DYSPLASIA, X-LINKED. Last evaluated: 2016-07-20. Review status: no assertion criteria provided. Collection method: literature only. Allele origin: germline. Not counted in ClinVar's aggregate classification.

Literature cited by the submitters: PubMed 8064814 (cited by OMIM); PubMed 27236923 (cited by OMIM).